The following is an entry in ClinVar:

ClinVar aggregate classification (germline): Uncertain significance (1 of 4 stars; one submission).

Conditions:
Catecholaminergic polymorphic ventricular tachycardia 1. Also called: VENTRICULAR TACHYCARDIA, CATECHOLAMINERGIC POLYMORPHIC, 1, WITH OR WITHOUT ATRIAL DYSFUNCTION AND/OR DILATED CARDIOMYOPATHY; RYR2-Related Catecholaminergic Polymorphic Ventricular Tachycardia; VENTRICULAR TACHYCARDIA, STRESS-INDUCED POLYMORPHIC 1. Identifiers: Orphanet 3286, MedGen C1631597, MONDO:0011484, OMIM 604772.

Submission:

Labcorp Genetics (formerly Invitae), Labcorp
Classification: Uncertain significance for Catecholaminergic polymorphic ventricular tachycardia 1. Last evaluated: 2016-09-23. Review status: criteria provided, single submitter. Criteria: Invitae Variant Classification Sherloc (09022015). Collection method: clinical testing. Allele origin: germline.
Comment: This sequence change replaces proline with arginine at codon 509 of the TRDN protein (p.Pro509Arg). The proline residue is moderately conserved and there is a moderate physicochemical difference between proline and arginine. In summary, this variant is a novel missense change with uncertain impact on protein function. It has been classified as a Variant of Uncertain Significance. Algorithms developed to predict the effect of missense changes on protein structure and function do not agree on the potential impact of this missense change (SIFT: "Tolerated"; PolyPhen-2: "Possibly Damaging"; Align-GVGD: "Class C0"). This variant is not present in population databases (ExAC no frequency) and has not been reported in the literature in individuals with a TRDN-related disease.

NM_006073.4(TRDN):c.1526C>G (p.Pro509Arg)

Gene: TRDN (triadin; minus strand). Cytogenetic location: 6q22.31.
Variant type: single nucleotide variant.
Coding change: c.1526C>G on transcript NM_006073.4 (MANE Select); coding-DNA position 1526, C replaced by G.
Protein change: p.Pro509Arg; replaces proline 509 with arginine.
Molecular consequence: missense variant.
Genome position (GRCh38, 1-based): chr6:123,279,067, G>C on the plus strand (C>G on the coding strand, the complement: TRDN is on the minus strand). VCF-style: chr6-123279067-G-C. GRCh37 (hg19) VCF-style: chr6-123600212-G-C.
Other names: short protein forms P509R.
Identifiers: ClinVar variation 408738 (VCV000408738.8), dbSNP rs1060502115, ClinGen allele CA16612101.